The following is an entry in ClinVar:

ClinVar aggregate classification (germline): Pathogenic/Likely pathogenic. Review status: criteria provided, multiple submitters, no conflicts (2 of 4 stars). 2 submissions from 2 submitters: Pathogenic (1); Likely pathogenic (1). Last evaluated 2022-01-07.

Conditions:
Peutz-Jeghers syndrome (PJS). Also called: POLYPOSIS, HAMARTOMATOUS INTESTINAL; POLYPS-AND-SPOTS SYNDROME; Peutz-Jeghers polyposis; Periorificial lentiginosis syndrome. Identifiers: Orphanet 2869, MedGen C0031269, MeSH D010580, MONDO:0008280, OMIM 175200.
Melanoma, cutaneous malignant, susceptibility to, 1 (CMM1). Also called: B-K MOLE SYNDROME; MELANOMA, MALIGNANT; DYSPLASTIC NEVUS SYNDROME, HEREDITARY; FAMILIAL ATYPICAL MOLE-MALIGNANT MELANOMA SYNDROME. Identifiers: Orphanet 618, MedGen C1835047, MONDO:0007963, OMIM 155600.

Submissions (2):

Baylor Genetics
Classification: Likely pathogenic for Melanoma, cutaneous malignant, susceptibility to, 1. Last evaluated: 2022-01-07. Review status: criteria provided, single submitter. Criteria: ACMG Guidelines, 2015. Collection method: clinical testing. Allele origin: unknown.

Labcorp Genetics (formerly Invitae), Labcorp
Classification: Pathogenic for Peutz-Jeghers syndrome. Last evaluated: 2021-09-02. Review status: criteria provided, single submitter. Criteria: Invitae Variant Classification Sherloc (09022015). Collection method: clinical testing. Allele origin: germline.
Comment: For these reasons, this variant has been classified as Pathogenic. This variant has not been reported in the literature in individuals affected with STK11-related conditions. This variant is not present in population databases (ExAC no frequency). This sequence change creates a premature translational stop signal (p.Met11Hisfs*152) in the STK11 gene. It is expected to result in an absent or disrupted protein product. Loss-of-function variants in STK11 are known to be pathogenic (PMID: 15188174, 16287113).

Literature cited by the submitters: PubMed 15188174 (cited by Labcorp Genetics (formerly Invitae), Labcorp); PubMed 16287113 (cited by Labcorp Genetics (formerly Invitae), Labcorp).

NM_000455.5(STK11):c.29dup (p.Met11fs)

Gene: STK11 (serine/threonine kinase 11; plus strand). Cytogenetic location: 19p13.3.
Variant type: Duplication.
Coding change: c.29dup on transcript NM_000455.5 (MANE Select); coding-DNA position 29, one base duplicated (G; older notation c.29dupG).
Protein change: p.Met11fs; shifts the reading frame from methionine 11.
Molecular consequence: frameshift variant.
Genome position (GRCh38, 1-based): chr19:1,206,942, G duplicated; the last of 3 consecutive G bases (chr19:1,206,940-1,206,942); duplicating any one gives the same sequence. VCF-style (leftmost placement, unchanged base first): chr19-1206939-T-TG. GRCh37 (hg19) VCF-style: chr19-1206938-T-TG.
Other names: short protein forms M11fs.
Identifiers: ClinVar variation 1445764 (VCV001445764.7), dbSNP rs2145404496, ClinGen allele CA2573155835.